The following is an entry in ClinVar:

ClinVar aggregate classification (germline): Uncertain significance (1 of 4 stars; one submission).

Allele frequency attached by ClinVar (database versions not stated): ExAC 0.00001; ESP Exome Variant Server 0.00008.

Submission:

Labcorp Genetics (formerly Invitae), Labcorp
Classification: Uncertain significance. Last evaluated: 2025-11-12. Review status: criteria provided, single submitter. Criteria: Invitae Variant Classification Sherloc (09022015). Collection method: clinical testing. Allele origin: germline.
Comment: This sequence change affects codon 626 of the TNNI3K mRNA. It is a 'silent' change, meaning that it does not change the encoded amino acid sequence of the TNNI3K protein. This variant also falls at the last nucleotide of exon 19, which is part of the consensus splice site for this exon. This variant is present in population databases (rs145440221, gnomAD 0.007%). This variant has not been reported in the literature in individuals affected with TNNI3K-related conditions. ClinVar contains an entry for this variant (Variation ID: 2807128). Variants that disrupt the consensus splice site are a relatively common cause of aberrant splicing (PMID: 17576681, 9536098). Algorithms developed to predict the effect of sequence changes on RNA splicing suggest that this variant is not likely to affect RNA splicing. In summary, the available evidence is currently insufficient to determine the role of this variant in disease. Therefore, it has been classified as a Variant of Uncertain Significance.

Literature cited by the submitters: PubMed 17576681; PubMed 9536098.

NM_015978.3(TNNI3K):c.1878G>A (p.Gly626=)

Genes: FPGT-TNNI3K (FPGT-TNNI3K readthrough; plus strand), TNNI3K (TNNI3 interacting kinase; plus strand). Cytogenetic location: 1p31.1.
Variant type: single nucleotide variant.
Coding change: c.1878G>A on transcript NM_015978.3 (MANE Select); coding-DNA position 1878, G replaced by A.
Protein change: p.Gly626=; no amino-acid change (glycine 626 retained).
Molecular consequence: synonymous variant.
Genome position (GRCh38, 1-based): chr1:74,436,526, G>A. VCF-style: chr1-74436526-G-A. GRCh37 (hg19) VCF-style: chr1-74902210-G-A.
Other names: c.2181G>A, p.Gly727= (NM_001112808.3, NM_001199327.2).
Identifiers: ClinVar variation 2807128 (VCV002807128.3), dbSNP rs145440221, ClinGen allele CA909470.